The following is an entry in ClinVar:

NM_000038.6(APC):c.263G>T (p.Arg88Leu)

Gene: APC (APC regulator of Wnt signaling pathway; plus strand). Cytogenetic location: 5q22.2.
Variant type: single nucleotide variant.
Coding change: c.263G>T on transcript NM_000038.6 (MANE Select); coding-DNA position 263, G replaced by T.
Protein change: p.Arg88Leu; replaces arginine 88 with leucine.
Molecular consequence: missense variant. On other transcripts: 5 prime UTR variant (1).
Genome position (GRCh38, 1-based): chr5:112,767,231, G>T. VCF-style: chr5-112767231-G-T. GRCh37 (hg19) VCF-style: chr5-112102928-G-T.
Other names: c.263G>T, p.Arg88Leu (NM_001127510.3, NM_001354895.2, NM_001354896.2 and 2 more transcripts); c.293G>T, p.Arg98Leu (NM_001127511.3, NM_001354897.2, NM_001354902.2); c.188G>T, p.Arg63Leu (NM_001354898.2, NM_001354904.2); c.86G>T, p.Arg29Leu (NM_001354900.2, NM_001354901.2, NM_001354905.2); c.-773G>T (NM_001354906.2); short protein forms R98L, R29L, R63L, R88L.
Identifiers: ClinVar variation 821606 (VCV000821606.20), dbSNP rs587780592, ClinGen allele CA16021916.

ClinVar aggregate classification (germline): Uncertain significance. Review status: criteria provided, multiple submitters, no conflicts (2 of 4 stars). 3 submissions from 3 submitters: Uncertain significance (3). Last evaluated 2025-07-07.

Conditions:
Familial adenomatous polyposis 1 (FAP1). Also called: FAMILIAL ADENOMATOUS POLYPOSIS 1, ATTENUATED; POLYPOSIS, ADENOMATOUS INTESTINAL. Identifiers: MedGen C2713442, MONDO:0021056, OMIM 175100. Disease mechanism: loss of function.
Hereditary cancer-predisposing syndrome. Also called: Tumor predisposition; Hereditary Cancer Syndrome; Neoplastic Syndromes, Hereditary; Hereditary neoplastic syndrome. Identifiers: Orphanet 140162, MedGen C0027672, MeSH D009386, MONDO:0015356.

gnomAD v4.1: 2 of 1,614,008 alleles (0.00012%); highest among the groups gnomAD compares: Admixed American, 0.0017%; no homozygotes.

Submissions (3):

Ambry Genetics
Classification: Uncertain significance for Hereditary cancer-predisposing syndrome. Last evaluated: 2025-07-07. Review status: criteria provided, single submitter. Criteria: Ambry Variant Classification Scheme 2023. Collection method: clinical testing. Allele origin: germline.
Comment: The p.R88L variant (also known as c.263G>T), located in coding exon 3 of the APC gene, results from a G to T substitution at nucleotide position 263. The arginine at codon 88 is replaced by leucine, an amino acid with dissimilar properties. This amino acid position is highly conserved in available vertebrate species. In addition, in silico predictors for this gene do not accurately predict pathogenicity. Based on the available evidence, the clinical significance of this variant remains unclear.

Labcorp Genetics (formerly Invitae), Labcorp
Classification: Uncertain significance for Familial adenomatous polyposis 1. Last evaluated: 2024-10-22. Review status: criteria provided, single submitter. Criteria: Invitae Variant Classification Sherloc (09022015). Collection method: clinical testing. Allele origin: germline.
Comment: This sequence change replaces arginine, which is basic and polar, with leucine, which is neutral and non-polar, at codon 88 of the APC protein (p.Arg88Leu). This variant is not present in population databases (gnomAD no frequency). This variant has not been reported in the literature in individuals affected with APC-related conditions. ClinVar contains an entry for this variant (Variation ID: 821606). Invitae Evidence Modeling of protein sequence and biophysical properties (such as structural, functional, and spatial information, amino acid conservation, physicochemical variation, residue mobility, and thermodynamic stability) indicates that this missense variant is not expected to disrupt APC protein function with a negative predictive value of 95%. In summary, the available evidence is currently insufficient to determine the role of this variant in disease. Therefore, it has been classified as a Variant of Uncertain Significance.

Color Diagnostics, LLC DBA Color Health
Classification: Uncertain significance for Hereditary cancer-predisposing syndrome. Last evaluated: 2021-04-07. Review status: criteria provided, single submitter. Criteria: ACMG Guidelines, 2015. Collection method: clinical testing. Allele origin: germline.
Comment: This missense variant replaces arginine with leucine at codon 88 of the APC protein. Computational prediction suggests that this variant may have deleterious impact on protein structure and function (internally defined REVEL score threshold >= 0.7, PMID: 27666373). To our knowledge, functional studies have not been reported for this variant. This variant has not been reported in individuals affected with hereditary cancer in the literature. This variant has not been identified in the general population by the Genome Aggregation Database (gnomAD). The available evidence is insufficient to determine the role of this variant in disease conclusively. Therefore, this variant is classified as a Variant of Uncertain Significance.